The following is an entry in ClinVar:

NM_000197.2(HSD17B3):c.241A>C (p.Thr81Pro)

Genes: HSD17B3 (hydroxysteroid 17-beta dehydrogenase 3; minus strand), SLC35D2-HSD17B3 (SLC35D2-HSD17B3 readthrough; minus strand). Cytogenetic location: 9q22.32.
Variant type: single nucleotide variant.
Coding change: c.241A>C on transcript NM_000197.2 (MANE Select); coding-DNA position 241, A replaced by C.
Protein change: p.Thr81Pro; replaces threonine 81 with proline.
Molecular consequence: missense variant.
Genome position (GRCh38, 1-based): chr9:96,254,904, T>G on the plus strand (A>C on the coding strand, the complement: HSD17B3 is on the minus strand). VCF-style: chr9-96254904-T-G. GRCh37 (hg19) VCF-style: chr9-99017186-T-G.
Other names: short protein forms T81P.
Identifiers: ClinVar variation 1468362 (VCV001468362.6), dbSNP rs2130733506, ClinGen allele CA374126250.

ClinVar aggregate classification (germline): Uncertain significance (1 of 4 stars; one submission).

gnomAD v4.1: 2 of 1,614,092 alleles (0.00012%); highest among the groups gnomAD compares: African/African-American, 0.0013%; no homozygotes.

Submission:

Labcorp Genetics (formerly Invitae), Labcorp
Classification: Uncertain significance. Last evaluated: 2021-10-10. Review status: criteria provided, single submitter. Criteria: Invitae Variant Classification Sherloc (09022015). Collection method: clinical testing. Allele origin: germline.
Comment: In summary, the available evidence is currently insufficient to determine the role of this variant in disease. Therefore, it has been classified as a Variant of Uncertain Significance. This sequence change replaces threonine with proline at codon 81 of the HSD17B3 protein (p.Thr81Pro). The threonine residue is highly conserved and there is a small physicochemical difference between threonine and proline. This variant is not present in population databases (ExAC no frequency). This variant has not been reported in the literature in individuals affected with HSD17B3-related conditions. Advanced modeling of protein sequence and biophysical properties (such as structural, functional, and spatial information, amino acid conservation, physicochemical variation, residue mobility, and thermodynamic stability) performed at Invitae indicates that this missense variant is expected to disrupt HSD17B3 protein function.